The following is an entry in ClinVar:

NM_000321.3(RB1):c.496G>T (p.Glu166Ter)

Gene: RB1 (RB transcriptional corepressor 1; plus strand). Cytogenetic location: 13q14.2.
Variant type: single nucleotide variant.
Coding change: c.496G>T on transcript NM_000321.3 (MANE Select); coding-DNA position 496, G replaced by T.
Protein change: p.Glu166Ter; replaces glutamic acid 166 with a stop codon.
Molecular consequence: nonsense.
Genome position (GRCh38, 1-based): chr13:48,345,195, G>T. VCF-style: chr13-48345195-G-T. GRCh37 (hg19) VCF-style: chr13-48919331-G-T.
Other names: short protein forms E166*.
Identifiers: ClinVar variation 428695 (VCV000428695.4), dbSNP rs1131690874, ClinGen allele CA388252855.
Genomic context (GRCh38, chr13:48,345,195, plus strand): 5'-AATGCTATGTCAAGACTGTTGAAGAAGTATGATGTATTGTTTGCACTCTTCAGCAAATTG[G>T]AAAGGTAAAGTAAACATTTTATTAGGTTTACACTCTGATTTTTTATGTCATTGTTCACAA-3'

ClinVar aggregate classification (germline): Pathogenic. Review status: criteria provided, multiple submitters, no conflicts (2 of 4 stars). 2 submissions from 2 submitters: Pathogenic (2). Last evaluated 2025-09-17.

Conditions:
Hereditary retinoblastoma. Identifiers: Orphanet 357027, MedGen C0751483, MONDO:0018160.
Hereditary cancer-predisposing syndrome. Also called: Hereditary Cancer Syndrome; Neoplastic Syndromes, Hereditary; Hereditary neoplastic syndrome; Tumor predisposition. Identifiers: Orphanet 140162, MedGen C0027672, MeSH D009386, MONDO:0015356.

Submissions (2):

Ramesar Group, Division of Human Genetics, Institute of Infectious Diseases and Molecular Medicine, UCT/MRC Genomic and Precision Medicine Research Unit, University of Cape Town
Classification: Pathogenic for Hereditary retinoblastoma. Last evaluated: 2025-09-17. Review status: criteria provided, single submitter. Criteria: ACMG Guidelines, 2015. Collection method: research. Allele origin: germline. Affected: yes. Observed: 1 variant allele.
Comment: PVS1: Null variant (nonsense) in a gene (RB1) where LOF is a known mechanism of disease PM2: Absent from gnomAD and ExAC PP4: Patient presents with bilateral retinoblastoma and a family history of retinoblastoma* PP5: Reported as pathogenic in ClinVar

Ambry Genetics
Classification: Pathogenic for Hereditary cancer-predisposing syndrome. Last evaluated: 2014-05-22. Review status: criteria provided, single submitter. Criteria: Ambry Autosomal Dominant and X-Linked criteria (10/2015). Collection method: clinical testing. Allele origin: germline. Observed: 1 variant allele.
Comment: The p.E166* variant (also known as c.496G>T) located in coding exon 4 of the RB1 gene, results from a G to T substitution at nucleotide position 496. This changes the amino acid from a to a stop codon within coding exon 4. Since premature stop codons are typically deleterious in nature, this alteration is interpreted as a disease-causing mutation (ACMG Recommendations for Standards for Interpretation and Reporting of Sequence Variations. Revision 2007. Genet Med. 2008;10:294).